The following is an entry in ClinVar:

ClinVar aggregate classification (germline): Conflicting classifications of pathogenicity. Review status: criteria provided, conflicting classifications (1 of 4 stars). 13 submissions from 11 submitters: Uncertain significance (8); Benign (3). 2 of the submissions do not count toward it. Last evaluated 2024-03-04.

Conditions:
Acute febrile neutrophilic dermatosis (AFND). Also called: Sweet Syndrome; Gomm Button disease. Identifiers: Orphanet 3243, MedGen C0085077, MONDO:0011959, OMIM 608068.
Autoinflammatory syndrome. Identifiers: Orphanet 93665, MedGen C3890737, MONDO:0019751.
Familial Mediterranean fever (FMF). Also called: POLYSEROSITIS, FAMILIAL PAROXYSMAL; POLYSEROSITIS, RECURRENT; Periodic peritonitis; Benign paroxysmal peritonitis. Identifiers: Orphanet 342, MedGen C0031069, MONDO:0018088, OMIM 249100. Disease mechanism: gain of function.
Familial Mediterranean fever, autosomal dominant. Also called: FMF, AUTOSOMAL DOMINANT; Dominant Familial Mediterranean Fever. Identifiers: Orphanet 342, MedGen C1851347, MONDO:0007601, OMIM 134610.

Allele frequency attached by ClinVar (database versions not stated): gnomAD 0.00001; gnomAD exomes 0.00003 and 0.00005; TOPMed 0.00003; ExAC 0.00004; ESP Exome Variant Server 0.00015.
gnomAD v4.1: 75 of 1,613,216 alleles (0.0046%); highest among the groups gnomAD compares: Non-Finnish European, 0.0058%; no homozygotes.

Submissions (13):

Fulgent Genetics
Classification: Uncertain significance for Familial Mediterranean fever, autosomal dominant; Familial Mediterranean fever; Acute febrile neutrophilic dermatosis. Last evaluated: 2024-03-04. Review status: criteria provided, single submitter. Criteria: ACMG Guidelines, 2015. Collection method: clinical testing. Allele origin: germline.

Blueprint Genetics
Classification: Uncertain significance. Last evaluated: 2023-03-20. Review status: criteria provided, single submitter. Criteria: ACMG Guidelines, 2015. Collection method: clinical testing. Allele origin: germline.

Genome-Nilou Lab
Classification: Benign for Familial Mediterranean fever. Last evaluated: 2023-02-08. Review status: criteria provided, single submitter. Criteria: ACMG Guidelines, 2015. Collection method: clinical testing. Allele origin: germline.

Genome-Nilou Lab
Classification: Benign for Familial Mediterranean fever, autosomal dominant. Last evaluated: 2023-02-08. Review status: criteria provided, single submitter. Criteria: ACMG Guidelines, 2015. Collection method: clinical testing. Allele origin: germline.

Genome-Nilou Lab
Classification: Benign for Acute febrile neutrophilic dermatosis. Last evaluated: 2023-02-08. Review status: criteria provided, single submitter. Criteria: ACMG Guidelines, 2015. Collection method: clinical testing. Allele origin: germline.

Women's Health and Genetics/Laboratory Corporation of America, LabCorp
Classification: Uncertain significance. Last evaluated: 2022-09-14. Review status: criteria provided, single submitter. Criteria: LabCorp Variant Classification Summary - May 2015. Collection method: clinical testing. Allele origin: germline.
Comment: Variant summary: MEFV c.2338C>A (p.Pro780Thr) results in a non-conservative amino acid change in the encoded protein sequence. Three of five in-silico tools predict a benign effect of the variant on protein function. The variant allele was found at a frequency of 3.2e-05 in 251308 control chromosomes. The available data on variant occurrences in the general population are insufficient to allow any conclusion about variant significance. c.2338C>A has been reported in the literature in individuals affected with Familial Mediterranean Fever (example, Gouliemos_2006, Canete_2007). These report(s) do not provide unequivocal conclusions about association of the variant with Familial Mediterranean Fever. To our knowledge, no experimental evidence demonstrating an impact on protein function has been reported. Seven clinical diagnostic laboratories have submitted clinical-significance assessments for this variant to ClinVar after 2014 without evidence for independent evaluation. All laboratories classified the variant as uncertain significance. Based on the evidence outlined above, the variant was classified as uncertain significance.

Labcorp Genetics (formerly Invitae), Labcorp
Classification: Uncertain significance for Familial Mediterranean fever. Last evaluated: 2022-08-09. Review status: criteria provided, single submitter. Criteria: Invitae Variant Classification Sherloc (09022015). Collection method: clinical testing. Allele origin: germline.
Comment: This sequence change replaces proline, which is neutral and non-polar, with threonine, which is neutral and polar, at codon 780 of the MEFV protein (p.Pro780Thr). This variant is present in population databases (rs104895154, gnomAD 0.006%). This missense change has been observed in individual(s) with clinical features of MEFV-related conditions (PMID: 16730661, 17665427). ClinVar contains an entry for this variant (Variation ID: 97511). Algorithms developed to predict the effect of missense changes on protein structure and function output the following: SIFT: "Tolerated"; PolyPhen-2: "Probably Damaging"; Align-GVGD: "Class C0". The threonine amino acid residue is found in multiple mammalian species, which suggests that this missense change does not adversely affect protein function. In summary, the available evidence is currently insufficient to determine the role of this variant in disease. Therefore, it has been classified as a Variant of Uncertain Significance.

GeneDx
Classification: Uncertain significance. Last evaluated: 2022-04-28. Review status: criteria provided, single submitter. Criteria: GeneDx Variant Classification Process June 2021. Collection method: clinical testing. Allele origin: germline. Affected: yes.
Comment: Identified in the literature (Goulielmos et al., 2006) to be associated with mild severity of familial Mediterranean fever; however, clinical information was not provided; Identified in a patient with palindromic rheumatism in the literature (Canete et al., 2007); In silico analysis supports that this missense variant does not alter protein structure/function; This variant is associated with the following publications: (PMID: 17665427, 16730661)

Genome Diagnostics Laboratory, The Hospital for Sick Children
Classification: Uncertain significance for Autoinflammatory syndrome. Last evaluated: 2021-02-26. Review status: criteria provided, single submitter. Criteria: ACMG Guidelines, 2015. Collection method: clinical testing. Allele origin: germline. Affected: yes.

Mendelics
Classification: Uncertain significance for Familial Mediterranean fever. Last evaluated: 2019-05-28. Review status: criteria provided, single submitter. Criteria: Mendelics Assertion Criteria 2017. Collection method: clinical testing. Allele origin: unknown.

Illumina Laboratory Services, Illumina
Classification: Uncertain significance for Familial Mediterranean fever. Last evaluated: 2017-04-27. Review status: criteria provided, single submitter. Criteria: ICSL Variant Classification Criteria 13 December 2019. Collection method: clinical testing. Allele origin: germline.
Comment: This variant was observed as part of a predisposition screen in an ostensibly healthy population. A literature search was performed for the gene, cDNA change, and amino acid change (where applicable). Publications were found based on this search. However, the evidence from the literature, in combination with allele frequency data from public databases where available, was not sufficient to rule this variant in or out of causing disease. Therefore, this variant is classified as a variant of unknown significance.

Natera, Inc.
Classification: Uncertain significance for Familial Mediterranean fever. Last evaluated: 2020-09-16. Review status: no assertion criteria provided. Collection method: clinical testing. Allele origin: germline. Not counted in ClinVar's aggregate classification.

Unité médicale des maladies autoinflammatoires, CHRU Montpellier
No classification provided. Condition: Familial Mediterranean fever. Review status: no classification provided. Collection method: not provided. Allele origin: unknown. Not counted in ClinVar's aggregate classification.

Literature cited by the submitters: PubMed 17665427 (cited by 3 submitters); PubMed 25760918 (cited by Women's Health and Genetics/Laboratory Corporation of America, LabCorp); PubMed 16730661 (cited by 3 submitters).

NM_000243.3(MEFV):c.2338C>A (p.Pro780Thr)

Gene: MEFV (MEFV innate immunity regulator, pyrin; minus strand). Cytogenetic location: 16p13.3.
Variant type: single nucleotide variant.
Coding change: c.2338C>A on transcript NM_000243.3 (MANE Select); coding-DNA position 2338, C replaced by A.
Protein change: p.Pro780Thr; replaces proline 780 with threonine.
Molecular consequence: missense variant. On other transcripts: 3 prime UTR variant (1).
Genome position (GRCh38, 1-based): chr16:3,243,149, G>T on the plus strand (C>A on the coding strand, the complement: MEFV is on the minus strand). VCF-style: chr16-3243149-G-T. GRCh37 (hg19) VCF-style: chr16-3293149-G-T.
Other names: c.*542C>A (NM_001198536.2); short protein forms P780T.
Identifiers: ClinVar variation 97511 (VCV000097511.20), dbSNP rs104895154, ClinGen allele CA280572.